The following is an entry in ClinVar:

ClinVar aggregate classification (germline): Uncertain significance. Review status: criteria provided, multiple submitters, no conflicts (2 of 4 stars). 2 submissions from 2 submitters: Uncertain significance (2). Last evaluated 2024-11-24.

Conditions:
Inborn genetic diseases. Identifiers: MedGen C0950123, MeSH D030342.

Allele frequency attached by ClinVar (database versions not stated): gnomAD 0.00001; gnomAD exomes 0.00001; ExAC 0.00002; TOPMed 0.00006; ESP Exome Variant Server 0.00015.

Submissions (2):

Ambry Genetics
Classification: Uncertain significance for Inborn genetic diseases. Last evaluated: 2024-11-24. Review status: criteria provided, single submitter. Criteria: Ambry Variant Classification Scheme 2023. Collection method: clinical testing. Allele origin: germline.
Comment: The p.S261L variant (also known as c.782C>T), located in coding exon 7 of the USB1 gene, results from a C to T substitution at nucleotide position 782. The serine at codon 261 is replaced by leucine, an amino acid with dissimilar properties. This amino acid position is conserved. In addition, this alteration is predicted to be tolerated by in silico analysis. Based on the available evidence, the clinical significance of this variant remains unclear.

Labcorp Genetics (formerly Invitae), Labcorp
Classification: Uncertain significance. Last evaluated: 2024-11-05. Review status: criteria provided, single submitter. Criteria: Invitae Variant Classification Sherloc (09022015). Collection method: clinical testing. Allele origin: germline.
Comment: This sequence change replaces serine, which is neutral and polar, with leucine, which is neutral and non-polar, at codon 261 of the USB1 protein (p.Ser261Leu). This variant is present in population databases (rs368558020, gnomAD 0.01%). This variant has not been reported in the literature in individuals affected with USB1-related conditions. ClinVar contains an entry for this variant (Variation ID: 1369496). Invitae Evidence Modeling of protein sequence and biophysical properties (such as structural, functional, and spatial information, amino acid conservation, physicochemical variation, residue mobility, and thermodynamic stability) indicates that this missense variant is not expected to disrupt USB1 protein function with a negative predictive value of 80%. In summary, the available evidence is currently insufficient to determine the role of this variant in disease. Therefore, it has been classified as a Variant of Uncertain Significance.

NM_024598.4(USB1):c.782C>T (p.Ser261Leu)

Gene: USB1 (U6 snRNA biogenesis phosphodiesterase 1; plus strand). Cytogenetic location: 16q21.
Variant type: single nucleotide variant.
Coding change: c.782C>T on transcript NM_024598.4 (MANE Select); coding-DNA position 782, C replaced by T.
Protein change: p.Ser261Leu; replaces serine 261 with leucine.
Molecular consequence: missense variant.
Genome position (GRCh38, 1-based): chr16:58,020,229, C>T. VCF-style: chr16-58020229-C-T. GRCh37 (hg19) VCF-style: chr16-58054133-C-T.
Other names: c.728C>T, p.Ser243Leu (NM_001195302.2); c.629C>T, p.Ser210Leu (NM_001330568.2); c.782C>T (NM_024598.3); short protein forms S243L, S261L, S210L.
Identifiers: ClinVar variation 1369496 (VCV001369496.10), dbSNP rs368558020, ClinGen allele CA8085053.